The following is an entry in ClinVar:

ClinVar aggregate classification (germline): Uncertain significance (1 of 4 stars; one submission).

Submission:

Labcorp Genetics (formerly Invitae), Labcorp
Classification: Uncertain significance. Last evaluated: 2024-08-07. Review status: criteria provided, single submitter. Criteria: Invitae Variant Classification Sherloc (09022015). Collection method: clinical testing. Allele origin: germline.
Comment: This sequence change replaces glycine, which is neutral and non-polar, with arginine, which is basic and polar, at codon 280 of the EXOSC9 protein (p.Gly280Arg). This variant is not present in population databases (gnomAD no frequency). This variant has not been reported in the literature in individuals affected with EXOSC9-related conditions. Advanced modeling of protein sequence and biophysical properties (such as structural, functional, and spatial information, amino acid conservation, physicochemical variation, residue mobility, and thermodynamic stability) performed at Invitae indicates that this missense variant is not expected to disrupt EXOSC9 protein function with a negative predictive value of 80%. In summary, the available evidence is currently insufficient to determine the role of this variant in disease. Therefore, it has been classified as a Variant of Uncertain Significance.

NM_005033.3(EXOSC9):c.838G>C (p.Gly280Arg)

Gene: EXOSC9 (exosome component 9; plus strand). Cytogenetic location: 4q27.
Variant type: single nucleotide variant.
Coding change: c.838G>C on transcript NM_005033.3 (MANE Select); coding-DNA position 838, G replaced by C.
Protein change: p.Gly280Arg; replaces glycine 280 with arginine.
Molecular consequence: missense variant.
Genome position (GRCh38, 1-based): chr4:121,813,244, G>C. VCF-style: chr4-121813244-G-C. GRCh37 (hg19) VCF-style: chr4-122734399-G-C.
Other names: c.838G>C, p.Gly280Arg (NM_001034194.2); short protein forms G280R.
Identifiers: ClinVar variation 3630710 (VCV003630710.2).